The following is an entry in ClinVar:

NM_000540.3(RYR1):c.2156A>G (p.His719Arg)

Gene: RYR1 (ryanodine receptor 1; plus strand). Cytogenetic location: 19q13.2.
Variant type: single nucleotide variant.
Coding change: c.2156A>G on transcript NM_000540.3 (MANE Select); coding-DNA position 2156, A replaced by G.
Protein change: p.His719Arg; replaces histidine 719 with arginine.
Molecular consequence: missense variant.
Genome position (GRCh38, 1-based): chr19:38,458,281, A>G. VCF-style: chr19-38458281-A-G. GRCh37 (hg19) VCF-style: chr19-38948921-A-G.
Other names: c.2156A>G, p.His719Arg (NM_001042723.2); short protein forms H719R.
Identifiers: ClinVar variation 3072139 (VCV003072139.2), dbSNP rs1750384914, ClinGen allele CA405697922.

ClinVar aggregate classification (germline): Uncertain significance. Review status: criteria provided, multiple submitters, no conflicts (2 of 4 stars). 2 submissions from 2 submitters: Uncertain significance (2). Last evaluated 2025-10-21.

Conditions:
RYR1-related disorder. Also called: RYR1-related condition; RYR1-related disorders. Identifiers: MedGen CN239331.
Malignant hyperthermia, susceptibility to, 1 (MHS1). Also called: Anesthesia related hyperthermia; Malignant hyperpyrexia; Fulminating hyperpyrexia; Pharmacogenic myopathy; RYR1-Related Malignant Hyperthermia Susceptibility; Malignant hyperthermia suceptibility 1. Identifiers: Orphanet 423, MedGen C2930980, MONDO:0007783, OMIM 145600.

Allele frequency attached by ClinVar (database versions not stated): gnomAD exomes below 0.00001; TOPMed below 0.00001.
gnomAD v4.1: 1 of 1,613,868 alleles (0.000062%); highest among the groups gnomAD compares: Non-Finnish European, 0.000085%; no homozygotes.

Submissions (2):

Labcorp Genetics (formerly Invitae), Labcorp
Classification: Uncertain significance for RYR1-related disorder. Last evaluated: 2025-10-21. Review status: criteria provided, single submitter. Criteria: Invitae Variant Classification Sherloc (09022015). Collection method: clinical testing. Allele origin: germline.
Comment: This sequence change replaces histidine, which is basic and polar, with arginine, which is basic and polar, at codon 719 of the RYR1 protein (p.His719Arg). This variant is not present in population databases (gnomAD no frequency). This variant has not been reported in the literature in individuals affected with RYR1-related conditions. ClinVar contains an entry for this variant (Variation ID: 3072139). Invitae Evidence Modeling of protein sequence and biophysical properties (such as structural, functional, and spatial information, amino acid conservation, physicochemical variation, residue mobility, and thermodynamic stability) indicates that this missense variant is not expected to disrupt RYR1 protein function with a negative predictive value of 95%. In summary, the available evidence is currently insufficient to determine the role of this variant in disease. Therefore, it has been classified as a Variant of Uncertain Significance.

All of Us Research Program, National Institutes of Health
Classification: Uncertain significance for Malignant hyperthermia, susceptibility to, 1. Last evaluated: 2023-06-26. Review status: criteria provided, single submitter. Criteria: ACMG Guidelines, 2015. Collection method: clinical testing. Allele origin: germline. Inheritance: Autosomal dominant inheritance. Observed: 1 variant allele, 1 heterozygote.
Comment: This missense variant replaces histidine with arginine at codon 719 of the RYR1 protein. Computational prediction suggests that this variant may not impact protein structure and function (internally defined REVEL score threshold <= 0.5, PMID: 27666373). To our knowledge, functional studies have not been reported for this variant. This variant has not been reported in individuals affected with RYR1-related disorders in the literature. This variant has not been identified in the general population by the Genome Aggregation Database (gnomAD). The available evidence is insufficient to determine the role of this variant in disease conclusively. Therefore, this variant is classified as a Variant of Uncertain Significance.

This study involves interpretation of variants in research participants for the purpose of population health screening. Participant phenotype was not available at the time of variant classification. Additional details can be found in publication PMID: 35346344, PMCID: PMC8962531